The following is an entry in ClinVar:

ClinVar aggregate classification (germline): Uncertain significance (1 of 4 stars; one submission).

Conditions:
Hereditary cancer-predisposing syndrome. Also called: Neoplastic Syndromes, Hereditary; Tumor predisposition; Hereditary Cancer Syndrome; Hereditary neoplastic syndrome. Identifiers: Orphanet 140162, MedGen C0027672, MeSH D009386, MONDO:0015356.

Submission:

Ambry Genetics
Classification: Uncertain significance for Hereditary cancer-predisposing syndrome. Last evaluated: 2025-12-22. Review status: criteria provided, single submitter. Criteria: Ambry Variant Classification Scheme 2023. Collection method: clinical testing. Allele origin: germline.
Comment: The p.H360Y variant (also known as c.1078C>T), located in coding exon 8 of the RAD50 gene, results from a C to T substitution at nucleotide position 1078. The histidine at codon 360 is replaced by tyrosine, an amino acid with similar properties. This amino acid position is conserved. In addition, this alteration is predicted to be tolerated by in silico analysis. Based on the available evidence, the clinical significance of this variant remains unclear.

NM_005732.4(RAD50):c.1078C>T (p.His360Tyr)

Gene: RAD50 (RAD50 double strand break repair protein; plus strand). Cytogenetic location: 5q31.1.
Variant type: single nucleotide variant.
Coding change: c.1078C>T on transcript NM_005732.4 (MANE Select); coding-DNA position 1078, C replaced by T.
Protein change: p.His360Tyr; replaces histidine 360 with tyrosine.
Molecular consequence: missense variant.
Genome position (GRCh38, 1-based): chr5:132,588,713, C>T. VCF-style: chr5-132588713-C-T. GRCh37 (hg19) VCF-style: chr5-131924405-C-T.
Other names: short protein forms H360Y.
Identifiers: ClinVar variation 4842938 (VCV004842938.1).